The following is an entry in ClinVar:

NM_004006.3(DMD):c.6863A>G (p.Gln2288Arg)

Gene: DMD (dystrophin; minus strand). Cytogenetic location: Xp21.1.
Variant type: single nucleotide variant.
Coding change: c.6863A>G on transcript NM_004006.3 (MANE Select); coding-DNA position 6863, A replaced by G.
Protein change: p.Gln2288Arg; replaces glutamine 2288 with arginine.
Molecular consequence: missense variant. On other transcripts: 5 prime UTR variant (5).
Genome position (GRCh38, 1-based): chrX:31,929,645, T>C on the plus strand (A>G on the coding strand, the complement: DMD is on the minus strand). VCF-style: chrX-31929645-T-C. GRCh37 (hg19) VCF-style: chrX-31947762-T-C.
Other names: c.6839A>G, p.Gln2280Arg (NM_000109.4); c.6851A>G, p.Gln2284Arg (NM_004009.3); c.6494A>G, p.Gln2165Arg (NM_004010.3); c.2840A>G, p.Gln947Arg (NM_004011.4); c.2831A>G, p.Gln944Arg (NM_004012.4); c.-518A>G (NM_004013.3, NM_004020.4, NM_004021.3 and 2 more transcripts); short protein forms Q2288R, Q944R, Q2280R, Q2284R, Q947R, Q2165R.
Identifiers: ClinVar variation 573564 (VCV000573564.10), dbSNP rs762708936, ClinGen allele CA10378392.

ClinVar aggregate classification (germline): Conflicting classifications of pathogenicity. Review status: criteria provided, conflicting classifications (1 of 4 stars). 4 submissions from 4 submitters: Uncertain significance (2); Likely benign (1). 1 of the submissions does not count toward it. Last evaluated 2025-09-20.

Conditions:
Cardiomyopathy (CMYO). Also called: Cardiomyopathies. Identifiers: Orphanet 167848, MedGen C0878544, MONDO:0004994, HP:0001638. Inheritance: Various modes of inheritance.
Duchenne muscular dystrophy (DMD). Also called: MUSCULAR DYSTROPHY, PSEUDOHYPERTROPHIC PROGRESSIVE, DUCHENNE TYPE; Duchenne Muscular Dystrophy (DMD). Identifiers: Orphanet 98896, MedGen C0013264, MONDO:0010679, OMIM 310200.
Becker muscular dystrophy (BMD). Also called: MUSCULAR DYSTROPHY, PSEUDOHYPERTROPHIC PROGRESSIVE, BECKER TYPE; Becker Muscular Dystrophy (BMD). Identifiers: Orphanet 98895, MedGen C0917713, MONDO:0010311, OMIM 300376.
Dystrophin deficiency.
Cardiovascular phenotype. Identifiers: MedGen CN230736.
Dilated cardiomyopathy 3B (CMD3B). Also called: CMD3B: DMD-Related Dilated Cardiomyopathy; CARDIOMYOPATHY, DILATED, X-LINKED; DMD-Associated Dilated Cardiomyopathy. Identifiers: Orphanet 154, MedGen C3668940, MONDO:0010542, OMIM 302045.

Allele frequency attached by ClinVar (database versions not stated): ExAC 0.00001; gnomAD exomes 0.00002; gnomAD 0.00005 and 0.00006; TOPMed 0.00006.

Submissions (4):

Labcorp Genetics (formerly Invitae), Labcorp
Classification: Likely benign for Duchenne muscular dystrophy. Last evaluated: 2025-09-20. Review status: criteria provided, single submitter. Criteria: Invitae Variant Classification Sherloc (09022015). Collection method: clinical testing. Allele origin: germline.

Fulgent Genetics
Classification: Uncertain significance for Becker muscular dystrophy; Dilated cardiomyopathy 3B; Duchenne muscular dystrophy. Last evaluated: 2021-08-11. Review status: criteria provided, single submitter. Criteria: ACMG Guidelines, 2015. Collection method: clinical testing. Allele origin: unknown.

Ambry Genetics
Classification: Uncertain significance for Cardiovascular phenotype. Last evaluated: 2020-11-02. Review status: criteria provided, single submitter. Criteria: Ambry Variant Classification Scheme 2023. Collection method: clinical testing. Allele origin: germline.
Comment: The p.Q2288R variant (also known as c.6863A>G), located in coding exon 47 of the DMD gene, results from an A to G substitution at nucleotide position 6863. The glutamine at codon 2288 is replaced by arginine, an amino acid with highly similar properties. Based on data from gnomAD, the G allele has an overall frequency of <0.01% (4/205222) total alleles studied, with 0 hemizygotes observed. The highest observed frequency was 0.02% (4/19032) of African alleles. This amino acid position is not well conserved in available vertebrate species, and arginine is the reference amino acid in other vertebrate species. In addition, this alteration is predicted to be tolerated by in silico analysis.

Natera, Inc.
Classification: Uncertain significance for Becker muscular dystrophy; Cardiomyopathy; Duchenne muscular dystrophy; Dystrophin deficiency. Last evaluated: 2018-06-01. Review status: no assertion criteria provided. Collection method: clinical testing. Allele origin: germline. Not counted in ClinVar's aggregate classification.